The following is an entry in ClinVar:

NM_001371986.1(UNC80):c.2434G>A (p.Gly812Arg)

Gene: UNC80 (unc-80 subunit of NALCN channel complex; plus strand). Cytogenetic location: 2q34.
Variant type: single nucleotide variant.
Coding change: c.2434G>A on transcript NM_001371986.1 (MANE Select); coding-DNA position 2434, G replaced by A.
Protein change: p.Gly812Arg; replaces glycine 812 with arginine.
Molecular consequence: missense variant.
Genome position (GRCh38, 1-based): chr2:209,826,009, G>A. VCF-style: chr2-209826009-G-A. GRCh37 (hg19) VCF-style: chr2-210690733-G-A.
Other names: c.2434G>A, p.Gly812Arg (NM_032504.2, NM_182587.4); short protein forms G812R.
Identifiers: ClinVar variation 2094727 (VCV002094727.4), dbSNP rs1372376639, ClinGen allele CA350137391.

ClinVar aggregate classification (germline): Uncertain significance (1 of 4 stars; one submission).

Allele frequency attached by ClinVar (database versions not stated): gnomAD exomes below 0.00001.
gnomAD v4.1: 2 of 1,550,556 alleles (0.00013%); highest among the groups gnomAD compares: South Asian, 0.0024%; no homozygotes.

Submission:

Labcorp Genetics (formerly Invitae), Labcorp
Classification: Uncertain significance. Last evaluated: 2022-02-08. Review status: criteria provided, single submitter. Criteria: Invitae Variant Classification Sherloc (09022015). Collection method: clinical testing. Allele origin: germline.
Comment: In summary, the available evidence is currently insufficient to determine the role of this variant in disease. Therefore, it has been classified as a Variant of Uncertain Significance. Algorithms developed to predict the effect of missense changes on protein structure and function are either unavailable or do not agree on the potential impact of this missense change (SIFT: "Not Available"; PolyPhen-2: "Probably Damaging"; Align-GVGD: "Not Available"). This variant has not been reported in the literature in individuals affected with UNC80-related conditions. This variant is present in population databases (no rsID available, gnomAD 0.004%). This sequence change replaces glycine, which is neutral and non-polar, with arginine, which is basic and polar, at codon 812 of the UNC80 protein (p.Gly812Arg).